The following is an entry in ClinVar:

ClinVar aggregate classification (germline): Uncertain significance. Review status: criteria provided, multiple submitters, no conflicts (2 of 4 stars). 2 submissions from 2 submitters: Uncertain significance (2). Last evaluated 2023-12-04.

Conditions:
Arrhythmogenic right ventricular dysplasia 11. Also called: ARRHYTHMOGENIC RIGHT VENTRICULAR DYSPLASIA, FAMILIAL, 11; Arrhythmogenic Right Ventricular Dysplasia/Cardiomyopathy11; Arrhythmogenic right ventricular dysplasia 11 with mild palmoplantar keratoderma and woolly hair. Identifiers: MedGen C1864850, MONDO:0012506, OMIM 610476.
Cardiomyopathy (CMYO). Also called: Cardiomyopathies. Identifiers: Orphanet 167848, MedGen C0878544, MONDO:0004994, HP:0001638. Inheritance: Various modes of inheritance.

Submissions (2):

Color Diagnostics, LLC DBA Color Health
Classification: Uncertain significance for Cardiomyopathy. Last evaluated: 2023-12-04. Review status: criteria provided, single submitter. Criteria: ACMG Guidelines, 2015. Collection method: clinical testing. Allele origin: germline.
Comment: This missense variant replaces threonine with asparagine at codon 249 of the DSC2 protein. To our knowledge, functional studies have not been reported for this variant. This variant has not been reported in individuals affected with DSC2-related disorders in the literature. This variant has not been identified in the general population by the Genome Aggregation Database (gnomAD). The available evidence is insufficient to determine the role of this variant in disease conclusively. Therefore, this variant is classified as a Variant of Uncertain Significance.

Fulgent Genetics
Classification: Uncertain significance for Arrhythmogenic right ventricular dysplasia 11. Last evaluated: 2021-08-23. Review status: criteria provided, single submitter. Criteria: ACMG Guidelines, 2015. Collection method: clinical testing. Allele origin: unknown.

NM_024422.6(DSC2):c.744_746delinsCAA (p.Thr249Asn)

Gene: DSC2 (desmocollin 2; minus strand). Cytogenetic location: 18q12.1.
Variant type: Indel.
Coding change: c.744_746delinsCAA on transcript NM_024422.6 (MANE Select); coding-DNA positions 744 to 746, TAC replaced by CAA.
Protein change: p.Thr249Asn; replaces threonine 249 with asparagine.
Molecular consequence: missense variant.
Genome position (GRCh38, 1-based): chr18:31,087,698-31,087,700, GTA replaced by TTG on the plus strand (TAC replaced by CAA on the coding strand, the reverse complement: DSC2 is on the minus strand). VCF-style: chr18-31087698-GTA-TTG. GRCh37 (hg19) VCF-style: chr18-28667661-GTA-TTG.
Other names: c.744_746delinsCAA, p.Thr249Asn (NM_004949.5); short protein forms T249N.
Identifiers: ClinVar variation 920996 (VCV000920996.5), dbSNP rs1987447561, ClinGen allele CA913189071.
Genomic context (GRCh38, chr18:31,087,698, plus strand): 5'-TTTGCCATATATTGTTTAAGGAGGTACTCACCCACTCTGCAATTTTCAAAAATTGTAAAA[GTA>TTG]TAAGTTTCTTCTGTAAAAATTGGGTAGTTATCATTTTCATCCTCTATTTTGATTATTAGG-3'
Protein context (NP_077740.1, residues 239-259): NYPIFTEETY[Thr249Asn]FTIFENCRVG